The following is an entry in ClinVar:

ClinVar aggregate classification (germline): Uncertain significance (1 of 4 stars; one submission).

Conditions:
Orofacial cleft 6, susceptibility to (OFC6). Also called: CLEFT LIP WITH OR WITHOUT CLEFT PALATE, NONSYNDROMIC, 6. Identifiers: MedGen C1837213, MONDO:0012141, OMIM 608864.

Submission:

3billion
Classification: Uncertain significance for Orofacial cleft 6, susceptibility to. Last evaluated: 2022-01-03. Review status: criteria provided, single submitter. Criteria: ACMG Guidelines, 2015. Collection method: clinical testing. Allele origin: germline. Affected: yes. Observed: 1 heterozygote.
Comment: The variant is not observed in the gnomAD v2.1.1 dataset (PM2_M). A different missense change at the same codon has been reported to be associated with IRF6 related disorder (PMID:12219090, PM5_P). In silico tool predictions suggest damaging effect of the variant on gene or gene product (REVEL: 0.71, PP3_P). Therefore, this variant is classified as uncertain significance according to the recommendation of ACMG/AMP guideline.

Literature cited by the submitters: PubMed 12219090.

NM_006147.4(IRF6):c.1107T>A (p.Phe369Leu)

Gene: IRF6 (interferon regulatory factor 6; minus strand). Cytogenetic location: 1q32.2.
Variant type: single nucleotide variant.
Coding change: c.1107T>A on transcript NM_006147.4 (MANE Select); coding-DNA position 1107, T replaced by A.
Protein change: p.Phe369Leu; replaces phenylalanine 369 with leucine.
Molecular consequence: missense variant.
Genome position (GRCh38, 1-based): chr1:209,789,739, A>T on the plus strand (T>A on the coding strand, the complement: IRF6 is on the minus strand). VCF-style: chr1-209789739-A-T. GRCh37 (hg19) VCF-style: chr1-209963084-A-T.
Other names: c.822T>A, p.Phe274Leu (NM_001206696.2); short protein forms F274L, F369L.
Identifiers: ClinVar variation 1333593 (VCV001333593.1), dbSNP rs2102536039, ClinGen allele CA344574743.